The following is an entry in ClinVar:

ClinVar aggregate classification (germline): Uncertain significance (1 of 4 stars; one submission).

Conditions:
Silver-Russell syndrome 5 (SRS5). Identifiers: MedGen C5394456, MONDO:0020795, OMIM 618908.

Submission:

Laboratorio de Genetica e Diagnostico Molecular, Hospital Israelita Albert Einstein
Classification: Uncertain significance for Silver-Russell syndrome 5. Last evaluated: 2024-10-01. Review status: criteria provided, single submitter. Criteria: ACMG Guidelines, 2015. Collection method: clinical testing. Allele origin: germline. Affected: yes.
Comment: ACMG classification criteria: PM2 supporting, PP3 supporting

NM_003483.6(HMGA2):c.111+4A>G

Gene: HMGA2 (high mobility group AT-hook 2; plus strand). Cytogenetic location: 12q14.3.
Variant type: single nucleotide variant.
Coding change: c.111+4A>G on transcript NM_003483.6 (MANE Select); 4 bases into the intron after coding-DNA position 111, A replaced by G.
Molecular consequence: intron variant.
Genome position (GRCh38, 1-based): chr12:65,825,385, A>G. VCF-style: chr12-65825385-A-G. GRCh37 (hg19) VCF-style: chr12-66219165-A-G.
Other names: c.111+4A>G (NM_001300918.1, NM_001300919.1, NM_003484.1 and 1 more transcripts).
Identifiers: ClinVar variation 4056712 (VCV004056712.1).
Genomic context (GRCh38, chr12:65,825,385, plus strand): 5'-CCTGCCGCCCCAGCGCCTCAGAAGAGAGGACGCGGCCGCCCCAGGAAGCAGCAGCAAGTC[A>G]GTACGAGGGCGCGGTGGGGGCACCAGCCCACCCCGTCCCCACTGCCGGGGCCCAGACACG-3'